The following is an entry in ClinVar:

ClinVar aggregate classification (germline): Uncertain significance (1 of 4 stars; one submission).

Submission:

GeneDx
Classification: Uncertain significance. Last evaluated: 2017-07-14. Review status: criteria provided, single submitter. Criteria: GeneDx Variant Classification (06012015). Collection method: clinical testing. Allele origin: germline. Affected: yes.
Comment: The Y718C variant in the PIGO gene has not been reported previously as a pathogenic variant, nor as a benign variant, to our knowledge. This variant is not observed in large population cohorts (Lek et al., 2016; 1000 Genomes Consortium et al., 2015; Exome Variant Server). The Y718C variant is a non-conservative amino acid substitution, which is likely to impact secondary protein structure as these residues differ in polarity, charge, size and/or other properties. This substitution occurs at a position that is not conserved across species. However, in silico analysis predicts this variant is probably damaging to the protein structure/function. We interpret Y718C as a variant of uncertain significance.

NM_032634.4(PIGO):c.2153A>G (p.Tyr718Cys)

Gene: PIGO (phosphatidylinositol glycan anchor biosynthesis class O; minus strand). Cytogenetic location: 9p13.3.
Variant type: single nucleotide variant.
Coding change: c.2153A>G on transcript NM_032634.4 (MANE Select); coding-DNA position 2153, A replaced by G.
Protein change: p.Tyr718Cys; replaces tyrosine 718 with cysteine.
Molecular consequence: missense variant. On other transcripts: intron variant (2).
Genome position (GRCh38, 1-based): chr9:35,091,734, T>C on the plus strand (A>G on the coding strand, the complement: PIGO is on the minus strand). VCF-style: chr9-35091734-T-C. GRCh37 (hg19) VCF-style: chr9-35091731-T-C.
Other names: c.1345-443A>G (NM_152850.4, NM_001201484.2); short protein forms Y718C.
Identifiers: ClinVar variation 450676 (VCV000450676.2), dbSNP rs1554672565, ClinGen allele CA373320676.